The following is an entry in ClinVar:

ClinVar aggregate classification (germline): Uncertain significance (1 of 4 stars; one submission).

Submission:

Labcorp Genetics (formerly Invitae), Labcorp
Classification: Uncertain significance. Last evaluated: 2025-01-15. Review status: criteria provided, single submitter. Criteria: Invitae Variant Classification Sherloc (09022015). Collection method: clinical testing. Allele origin: germline.
Comment: This sequence change replaces leucine, which is neutral and non-polar, with tryptophan, which is neutral and slightly polar, at codon 1841 of the ABCA4 protein (p.Leu1841Trp). Information on the frequency of this variant in the gnomAD database is not available, as this variant may be reported differently in the database. This variant has not been reported in the literature in individuals affected with ABCA4-related conditions. ClinVar contains an entry for this variant (Variation ID: 2823342). An algorithm developed to predict the effect of missense changes on protein structure and function (PolyPhen-2) suggests that this variant is likely to be disruptive. This variant disrupts the p.Leu1841 amino acid residue in ABCA4. Other variant(s) that disrupt this residue have been determined to be pathogenic (internal data). This suggests that this residue is clinically significant, and that variants that disrupt this residue are likely to be disease-causing. In summary, the available evidence is currently insufficient to determine the role of this variant in disease. Therefore, it has been classified as a Variant of Uncertain Significance.

NM_000350.3(ABCA4):c.5521_5522delinsTG (p.Leu1841Trp)

Gene: ABCA4 (ATP binding cassette subfamily A member 4; minus strand). Cytogenetic location: 1p22.1.
Variant type: Indel.
Coding change: c.5521_5522delinsTG on transcript NM_000350.3 (MANE Select); coding-DNA positions 5521 to 5522, CT replaced by TG.
Protein change: p.Leu1841Trp; replaces leucine 1841 with tryptophan.
Molecular consequence: missense variant.
Genome position (GRCh38, 1-based): chr1:94,011,324-94,011,325, AG replaced by CA on the plus strand (CT replaced by TG on the coding strand, the reverse complement: ABCA4 is on the minus strand). VCF-style: chr1-94011324-AG-CA. GRCh37 (hg19) VCF-style: chr1-94476880-AG-CA.
Other names: c.5299_5300delCTinsTG, p.Leu1767Trp (NM_001425324.1); short protein forms L1767W, L1841W.
Identifiers: ClinVar variation 2823342 (VCV002823342.3), dbSNP rs2523657785, ClinGen allele CA2739272661.